The following is an entry in ClinVar:

NM_002437.5(MPV17):c.461+1G>C

Gene: MPV17 (mitochondrial inner membrane protein MPV17; minus strand). Cytogenetic location: 2p23.3.
Variant type: single nucleotide variant.
Coding change: c.461+1G>C on transcript NM_002437.5 (MANE Select); the canonical splice donor site of the intron after coding-DNA position 461, G replaced by C.
Molecular consequence: splice donor variant.
Genome position (GRCh38, 1-based): chr2:27,311,898, C>G on the plus strand (G>C on the coding strand, the complement: MPV17 is on the minus strand). VCF-style: chr2-27311898-C-G. GRCh37 (hg19) VCF-style: chr2-27534766-C-G.
Other names: c.461+1G>C (NM_002437.4).
Identifiers: ClinVar variation 2203027 (VCV002203027.6), dbSNP rs770838975, ClinGen allele CA346207014.
Genomic context (GRCh38, chr2:27,311,898, plus strand): 5'-TTGTCTCCAACTGTTGGTAACGTGGGTCTTCCTTGATGGGTGGGGTAGGGGTGCAACATA[C>G]CTGTAATGAAGGGGGACCAGGTAGAAGTTGGCTAACTGCACAGCAGGCCATAGCTGCAAG-3'

ClinVar aggregate classification (germline): Pathogenic. Review status: criteria provided, multiple submitters, no conflicts (2 of 4 stars). 3 submissions from 3 submitters: Pathogenic (2). 1 of the submissions does not count toward it. Last evaluated 2024-06-20.

Conditions:
MPV17-related disorder. Also called: MPV17-related condition; MPV17-related disorders. Identifiers: MedGen CN239328.
Mitochondrial DNA depletion syndrome 6 (hepatocerebral type). Also called: NAVAJO NEUROPATHY; Navajo neurohepatopathy; Mitochondrial DNA depletion syndrome type 6. Identifiers: Orphanet 255229, MedGen C1850406, MONDO:0009747, OMIM 256810.
Charcot-Marie-Tooth disease, axonal, type 2EE. Also called: CHARCOT-MARIE-TOOTH NEUROPATHY, TYPE 2EE. Identifiers: MedGen C5193076, MONDO:0032728, OMIM 618400.

Submissions (3):

Fulgent Genetics
Classification: Pathogenic for Mitochondrial DNA depletion syndrome 6 (hepatocerebral type); Charcot-Marie-Tooth disease, axonal, type 2EE. Last evaluated: 2024-06-20. Review status: criteria provided, single submitter. Criteria: ACMG Guidelines, 2015. Collection method: clinical testing. Allele origin: germline.

Labcorp Genetics (formerly Invitae), Labcorp
Classification: Pathogenic. Last evaluated: 2022-09-07. Review status: criteria provided, single submitter. Criteria: Invitae Variant Classification Sherloc (09022015). Collection method: clinical testing. Allele origin: germline.
Comment: This variant disrupts a region of the MPV17 protein in which other variant(s) (p.Ser170Phe) have been observed in individuals with MPV17-related conditions (PMID: 19520594). This suggests that this is a clinically significant region of the protein, and that variants that disrupt it are likely to be disease-causing. For these reasons, this variant has been classified as Pathogenic. Variants that disrupt the consensus splice site are a relatively common cause of aberrant splicing (PMID: 17576681, 9536098). Algorithms developed to predict the effect of sequence changes on RNA splicing suggest that this variant may disrupt the consensus splice site. Studies have shown that disruption of this splice site alters MPV17 gene expression (PMID: 31664948). Disruption of this splice site has been observed in individuals with Mitochondrial DNA depletion syndrom (PMID: 23714749, 31664948). This variant is not present in population databases (gnomAD no frequency). This sequence change affects a donor splice site in intron 7 of the MPV17 gene. While this variant is not anticipated to result in nonsense mediated decay, it likely alters RNA splicing and results in a disrupted protein product.

PreventionGenetics, part of Exact Sciences
Classification: Pathogenic for MPV17-related condition. Last evaluated: 2024-06-19. Review status: no assertion criteria provided. Collection method: clinical testing. Allele origin: germline. Not counted in ClinVar's aggregate classification.
Comment: The MPV17 c.461+1G>C variant is predicted to disrupt the GT donor site and interfere with normal splicing. This variant has been reported in the homozygous state to be causative for mitochondrial DNA depletion syndrome (Uusimaa et al. 2014. PubMed ID: 23714749; Mahjoub et al. 2019. PubMed ID: 31664948). This variant has not been reported in a large population database, indicating this variant is rare. Variants that disrupt the consensus splice donor site in MPV17 are expected to be pathogenic. This variant is interpreted as pathogenic.

Literature cited by the submitters: PubMed 19520594 (cited by Labcorp Genetics (formerly Invitae), Labcorp); PubMed 17576681 (cited by Labcorp Genetics (formerly Invitae), Labcorp); PubMed 9536098 (cited by Labcorp Genetics (formerly Invitae), Labcorp); PubMed 31664948 (cited by Labcorp Genetics (formerly Invitae), Labcorp); PubMed 23714749 (cited by Labcorp Genetics (formerly Invitae), Labcorp).